The following is an entry in ClinVar:

NM_006035.4(CDC42BPB):c.2346+2T>C

Gene: CDC42BPB (CDC42 binding protein kinase beta; minus strand). Cytogenetic location: 14q32.32.
Variant type: single nucleotide variant.
Coding change: c.2346+2T>C on transcript NM_006035.4 (MANE Select); the canonical splice donor site of the intron after coding-DNA position 2346, T replaced by C.
Molecular consequence: splice donor variant.
Genome position (GRCh38, 1-based): chr14:102,968,251, A>G on the plus strand (T>C on the coding strand, the complement: CDC42BPB is on the minus strand). VCF-style: chr14-102968251-A-G. GRCh37 (hg19) VCF-style: chr14-103434588-A-G.
Other names: c.2346+2T>C (NM_001411054.1).
Identifiers: ClinVar variation 2122347 (VCV002122347.4), dbSNP rs2542861023, ClinGen allele CA391085599.

ClinVar aggregate classification (germline): Likely pathogenic (1 of 4 stars; one submission).

Submission:

Labcorp Genetics (formerly Invitae), Labcorp
Classification: Likely pathogenic. Last evaluated: 2022-04-07. Review status: criteria provided, single submitter. Criteria: Invitae Variant Classification Sherloc (09022015). Collection method: clinical testing. Allele origin: germline.
Comment: In summary, the currently available evidence indicates that the variant is pathogenic, but additional data are needed to prove that conclusively. Therefore, this variant has been classified as Likely Pathogenic. Algorithms developed to predict the effect of sequence changes on RNA splicing suggest that this variant may disrupt the consensus splice site. This variant has not been reported in the literature in individuals affected with CDC42BPB-related conditions. This variant is not present in population databases (gnomAD no frequency). This sequence change affects a donor splice site in intron 16 of the CDC42BPB gene. It is expected to disrupt RNA splicing. Variants that disrupt the donor or acceptor splice site typically lead to a loss of protein function (PMID: 16199547), and loss-of-function variants in CDC42BPB are known to be pathogenic (PMID: 32031333).

Literature cited by the submitters: PubMed 16199547; PubMed 32031333.